The following is an entry in ClinVar:

ClinVar aggregate classification (germline): Uncertain significance (1 of 4 stars; one submission).

Conditions:
Noonan syndrome 9 (NS9). Identifiers: Orphanet 648, MedGen C4225282, MONDO:0014691, OMIM 616559.

Submission:

Labcorp Genetics (formerly Invitae), Labcorp
Classification: Uncertain significance for Noonan syndrome 9. Last evaluated: 2023-09-16. Review status: criteria provided, single submitter. Criteria: Invitae Variant Classification Sherloc (09022015). Collection method: clinical testing. Allele origin: germline.
Comment: Advanced modeling of protein sequence and biophysical properties (such as structural, functional, and spatial information, amino acid conservation, physicochemical variation, residue mobility, and thermodynamic stability) performed at Invitae indicates that this missense variant is expected to disrupt SOS2 protein function. This variant has not been reported in the literature in individuals affected with SOS2-related conditions. This variant is not present in population databases (gnomAD no frequency). This sequence change replaces proline, which is neutral and non-polar, with alanine, which is neutral and non-polar, at codon 36 of the SOS2 protein (p.Pro36Ala). In summary, the available evidence is currently insufficient to determine the role of this variant in disease. Therefore, it has been classified as a Variant of Uncertain Significance.

NM_006939.4(SOS2):c.106C>G (p.Pro36Ala)

Gene: SOS2 (SOS Ras/Rho guanine nucleotide exchange factor 2; minus strand). Cytogenetic location: 14q21.3.
Variant type: single nucleotide variant.
Coding change: c.106C>G on transcript NM_006939.4 (MANE Select); coding-DNA position 106, C replaced by G.
Protein change: p.Pro36Ala; replaces proline 36 with alanine.
Molecular consequence: missense variant.
Genome position (GRCh38, 1-based): chr14:50,204,391, G>C on the plus strand (C>G on the coding strand, the complement: SOS2 is on the minus strand). VCF-style: chr14-50204391-G-C. GRCh37 (hg19) VCF-style: chr14-50671109-G-C.
Other names: c.106C>G, p.Pro36Ala (NM_001411020.1); short protein forms P36A.
Identifiers: ClinVar variation 2906579 (VCV002906579.3), dbSNP rs2503209915, ClinGen allele CA389651496.
Genomic context (GRCh38, chr14:50,204,391, plus strand): 5'-GCAGCTGAAAAATCAGCTCTTCAATATAATAGAGAGACTCTTCATTAGCTGAGAGAGTGG[G>C]ATGCACTTGTTCCTGAACCTTTAAAAAAAAGTTATCAGTTAAAGTAATGGCAAAATAATA-3'
Protein context (NP_008870.2, residues 26-46): ALRKVQEQVH[Pro36Ala]TLSANEESLY